The following is an entry in ClinVar:

ClinVar aggregate classification (germline): Uncertain significance. Review status: criteria provided, multiple submitters, no conflicts (2 of 4 stars). 2 submissions from 2 submitters: Uncertain significance (2). Last evaluated 2023-04-12.

Submissions (2):

Centre of Medical Genetics, University Hospital Muenster
Classification: Uncertain significance. Last evaluated: 2023-04-12. Review status: criteria provided, single submitter. Criteria: ACMG Guidelines, 2015. Collection method: clinical testing. Allele origin: unknown. Affected: yes. Observed: 1 variant allele, 1 heterozygote.
Comment: ACMG categories: PM2,PP3

GeneDx
Classification: Uncertain significance. Last evaluated: 2019-12-17. Review status: criteria provided, single submitter. Criteria: GeneDx Variant Classification Process June 2021. Collection method: clinical testing. Allele origin: germline. Affected: yes.
Comment: Not observed in large population cohorts (Lek et al., 2016); In silico analysis, which includes protein predictors and evolutionary conservation, supports a deleterious effect; Has not been previously published as pathogenic or benign to our knowledge

NM_001375524.1(TRRAP):c.2465C>T (p.Pro822Leu)

Gene: TRRAP (transformation/transcription domain associated protein; plus strand). Cytogenetic location: 7q22.1.
Variant type: single nucleotide variant.
Coding change: c.2465C>T on transcript NM_001375524.1 (MANE Select); coding-DNA position 2465, C replaced by T.
Protein change: p.Pro822Leu; replaces proline 822 with leucine.
Molecular consequence: missense variant.
Genome position (GRCh38, 1-based): chr7:98,917,522, C>T. VCF-style: chr7-98917522-C-T. GRCh37 (hg19) VCF-style: chr7-98515145-C-T.
Other names: c.2465C>T, p.Pro822Leu (NM_001244580.2, NM_003496.4); short protein forms P822L.
Identifiers: ClinVar variation 1310350 (VCV001310350.4), dbSNP rs2116445926, ClinGen allele CA368291671.